The following is an entry in ClinVar:

NM_000548.5(TSC2):c.5226_5243del (p.His1746_Arg1751del)

Gene: TSC2 (TSC complex subunit 2; plus strand). Cytogenetic location: 16p13.3.
Variant type: Deletion.
Coding change: c.5226_5243del on transcript NM_000548.5 (MANE Select); coding-DNA positions 5226 to 5243, 18 bases deleted (CCGGCTCCGCCACATCAA).
Protein change: p.His1746_Arg1751del.
Molecular consequence: inframe deletion.
Genome position (GRCh38, 1-based): chr16:2,088,292-2,088,309, CCGGCTCCGCCACATCAA deleted. VCF-style (leftmost placement, unchanged base first): chr16-2088291-CCCGGCTCCGCCACATCAA-C. GRCh37 (hg19) VCF-style: chr16-2138292-CCCGGCTCCGCCACATCAA-C.
Other names: c.5025_5042del, p.His1679_Arg1684del (NM_001077183.3); c.5157_5174del, p.His1723_Arg1728del (NM_001114382.3); c.4917_4934del, p.His1643_Arg1648del (NM_001318827.2); c.4881_4898del, p.His1631_Arg1636del (NM_001318829.2); c.4494_4511del, p.His1502_Arg1507del (NM_001318831.2); c.5058_5075del, p.His1690_Arg1695del (NM_001318832.2); c.5028_5045del, p.His1680_Arg1685del (NM_001363528.2); c.5094_5111del, p.His1702_Arg1707del (NM_001370404.1); and 2 more.
Identifiers: ClinVar variation 1452749 (VCV001452749.8), dbSNP rs2151631183, ClinGen allele CA913184879.

ClinVar aggregate classification (germline): Pathogenic (1 of 4 stars; one submission).

Conditions:
Tuberous sclerosis 2 (TSC2). Identifiers: Orphanet 805, MedGen C1860707, MONDO:0013199, OMIM 613254.

Submission:

Labcorp Genetics (formerly Invitae), Labcorp
Classification: Pathogenic for Tuberous sclerosis 2. Last evaluated: 2023-05-05. Review status: criteria provided, single submitter. Criteria: Invitae Variant Classification Sherloc (09022015). Collection method: clinical testing. Allele origin: germline.
Comment: ClinVar contains an entry for this variant (Variation ID: 1452749). This variant, c.5226_5243del, results in the deletion of 6 amino acid(s) of the TSC2 protein (p.His1746_Arg1751del), but otherwise preserves the integrity of the reading frame. This variant is not present in population databases (gnomAD no frequency). This variant has been observed in individual(s) with tuberous sclerosis complex (PMID: 9829910, 16114042). In at least one individual the variant was observed to be de novo. Algorithms developed to predict the effect of variants on protein structure and function are not available or were not evaluated for this variant. Experimental studies have shown that this variant affects TSC2 function (PMID: 21309039, 31591157). For these reasons, this variant has been classified as Pathogenic.

Literature cited by the submitters: PubMed 9829910; PubMed 16114042; PubMed 21309039; PubMed 31591157.